The following is an entry in ClinVar:

NM_022114.4(PRDM16):c.3284+15G>T

Gene: PRDM16 (PR/SET domain 16; plus strand). Cytogenetic location: 1p36.32.
Variant type: single nucleotide variant.
Coding change: c.3284+15G>T on transcript NM_022114.4 (MANE Select); 15 bases into the intron after coding-DNA position 3284, G replaced by T.
Molecular consequence: intron variant.
Genome position (GRCh38, 1-based): chr1:3,426,240, G>T. VCF-style: chr1-3426240-G-T. GRCh37 (hg19) VCF-style: chr1-3342804-G-T.
Other names: c.3284+15G>T (NM_199454.3).
Identifiers: ClinVar variation 227035 (VCV000227035.21), dbSNP rs870171, ClinGen allele CA544798.

ClinVar aggregate classification (germline): Benign. Review status: criteria provided, multiple submitters, no conflicts (2 of 4 stars). 10 submissions from 10 submitters: Benign (7). 3 of the submissions do not count toward it. Last evaluated 2026-02-04.

Conditions:
Left ventricular noncompaction 8 (LVNC8). Identifiers: Orphanet 154, Orphanet 54260, MedGen C3809288, MONDO:0014152, OMIM 615373.

Allele frequency attached by ClinVar (database versions not stated): ESP Exome Variant Server 0.31514; gnomAD 0.31838; TOPMed 0.33053; 1000 Genomes Project 30x 0.37711; 1000 Genomes Project 0.37939.
gnomAD v4.1: 468,079 of 1,607,588 alleles (29%); highest among the groups gnomAD compares: East Asian, 44%; 70,065 homozygotes.

Submissions (10):

Labcorp Genetics (formerly Invitae), Labcorp
Classification: Benign for Left ventricular noncompaction 8. Last evaluated: 2026-02-04. Review status: criteria provided, single submitter. Criteria: Invitae Variant Classification Sherloc (09022015). Collection method: clinical testing. Allele origin: germline.

Blueprint Genetics
Classification: Benign. Last evaluated: 2024-11-26. Review status: criteria provided, single submitter. Criteria: ACMG Guidelines, 2015. Collection method: clinical testing. Allele origin: germline.

Genome-Nilou Lab
Classification: Benign for Left ventricular noncompaction 8. Last evaluated: 2023-04-11. Review status: criteria provided, single submitter. Criteria: ACMG Guidelines, 2015. Collection method: clinical testing. Allele origin: germline. Affected: no.

Women's Health and Genetics/Laboratory Corporation of America, LabCorp
Classification: Benign. Last evaluated: 2023-04-10. Review status: criteria provided, single submitter. Criteria: LabCorp Variant Classification Summary - May 2015. Collection method: clinical testing. Allele origin: germline.

GeneDx
Classification: Benign. Last evaluated: 2016-09-23. Review status: criteria provided, single submitter. Criteria: GeneDx Variant Classification (06012015). Collection method: clinical testing. Allele origin: germline. Affected: yes.
Comment: This variant is considered likely benign or benign based on one or more of the following criteria: it is a conservative change, it occurs at a poorly conserved position in the protein, it is predicted to be benign by multiple in silico algorithms, and/or has population frequency not consistent with disease.

Laboratory for Molecular Medicine, Mass General Brigham Personalized Medicine
Classification: Benign. Last evaluated: 2014-11-24. Review status: criteria provided, single submitter. Criteria: LMM Criteria. Collection method: clinical testing. Allele origin: germline. Observed: 308 variant alleles.
Comment: 3284+15G>T in intron 14 of PRDM16: This variant is not expected to have clinical significance because it is not located within the conserved splice consensus se quence. It has been identified in 40.6% (1578/3884) of African American chromoso mes from a broad population by the NHLBI Exome Sequencing Project (.; dbSNP rs870171).

Breakthrough Genomics
Classification: Benign. Review status: criteria provided, single submitter. Criteria: ACMG Guidelines, 2015. Collection method: not provided. Allele origin: germline. Inheritance: Autosomal dominant inheritance. Affected: yes.

Clinical Genetics DNA and cytogenetics Diagnostics Lab, Erasmus MC, Erasmus Medical Center
Classification: Benign. Review status: no assertion criteria provided. Collection method: clinical testing. Allele origin: germline. Affected: yes. Study: VKGL Data-share Consensus. Not counted in ClinVar's aggregate classification.

Clinical Genetics, Academic Medical Center
Classification: Benign. Review status: no assertion criteria provided. Collection method: clinical testing. Allele origin: germline. Affected: yes. Study: VKGL Data-share Consensus. Not counted in ClinVar's aggregate classification.

Joint Genome Diagnostic Labs from Nijmegen and Maastricht, Radboudumc and MUMC+
Classification: Benign. Review status: no assertion criteria provided. Collection method: clinical testing. Allele origin: germline. Affected: yes. Study: VKGL Data-share Consensus. Not counted in ClinVar's aggregate classification.